The following is an entry in ClinVar:

NM_003072.5(SMARCA4):c.859+7T>A

Gene: SMARCA4 (SWI/SNF related BAF chromatin remodeling complex subunit ATPase 4; plus strand). Cytogenetic location: 19p13.2.
Variant type: single nucleotide variant.
Coding change: c.859+7T>A on transcript NM_003072.5 (MANE Select); 7 bases into the intron after coding-DNA position 859, T replaced by A.
Molecular consequence: intron variant.
Genome position (GRCh38, 1-based): chr19:10,987,010, T>A. VCF-style: chr19-10987010-T-A. GRCh37 (hg19) VCF-style: chr19-11097686-T-A.
Other names: p.?; c.859+7T>A (NM_001128844.3, NM_001128849.3, NM_001128847.4 and 6 more transcripts).
Identifiers: ClinVar variation 221046 (VCV000221046.56), dbSNP rs141461778, ClinGen allele CA349447.

ClinVar aggregate classification (germline): Benign/Likely benign. Review status: criteria provided, multiple submitters, no conflicts (2 of 4 stars). 15 submissions from 15 submitters: Benign (8); Likely benign (4). 3 of the submissions do not count toward it. Last evaluated 2026-09-01.

Conditions:
Hereditary nonpolyposis colon cancer (HNPCC). Also called: Hereditary Nonpolyposis Colorectal Cancer Syndrome; Hereditary nonpolyposis colorectal cancer; Familial nonpolyposis colon cancer. Identifiers: Orphanet 443909, MedGen C1333990, MONDO:0018630. Disease mechanism: loss of function.
Hereditary cancer-predisposing syndrome. Also called: Hereditary Cancer Syndrome; Tumor predisposition; Hereditary neoplastic syndrome; Neoplastic Syndromes, Hereditary. Identifiers: Orphanet 140162, MedGen C0027672, MeSH D009386, MONDO:0015356.
Coffin-Siris syndrome. Identifiers: Orphanet 1465, MedGen C0265338, MONDO:0015452.
Intellectual disability, autosomal dominant 16 (CSS4). Also called: COFFIN-SIRIS SYNDROME 4. Identifiers: Orphanet 1465, MedGen C3553249, MONDO:0013821, OMIM 614609.
Rhabdoid tumor predisposition syndrome 2 (RTPS2). Identifiers: Orphanet 231108, Orphanet 69077, MedGen C2750074, MONDO:0013224, OMIM 613325.

Allele frequency attached by ClinVar (database versions not stated): gnomAD exomes 0.00205 and 0.00370; ExAC 0.00339; gnomAD 0.00138 and 0.00178; TOPMed 0.00161; ESP Exome Variant Server 0.00169; 1000 Genomes Project 30x 0.00281; 1000 Genomes Project 0.00319.
gnomAD v4.1: 3,316 of 1,595,254 alleles (0.21%); highest among the groups gnomAD compares: South Asian, 1.4%; 27 homozygotes.

Submissions (15):

CeGaT Center for Human Genetics Tuebingen
Classification: Benign. Last evaluated: 2026-09-01. Review status: criteria provided, single submitter. Criteria: CeGaT Center For Human Genetics Tuebingen Variant Classification Criteria Version 2. Collection method: clinical testing. Allele origin: germline. Affected: yes. Observed: 34 variant alleles.
Comment: SMARCA4: BP4, BS1, BS2

Myriad Genetics, Inc.
Classification: Benign for Rhabdoid tumor predisposition syndrome 2. Last evaluated: 2026-07-09. Review status: criteria provided, single submitter. Criteria: Myriad Autosomal Dominant, Autosomal Recessive and X-Linked Classification Criteria (2023). Collection method: clinical testing. Allele origin: unknown.
Comment: This variant is considered benign. This variant is intronic and is not expected to impact mRNA splicing. This variant has been observed at a population frequency that is significantly greater than expected given the associated disease prevalence and penetrance.

Labcorp Genetics (formerly Invitae), Labcorp
Classification: Benign for Rhabdoid tumor predisposition syndrome 2. Last evaluated: 2026-02-03. Review status: criteria provided, single submitter. Criteria: Invitae Variant Classification Sherloc (09022015). Collection method: clinical testing. Allele origin: germline.

Quest Diagnostics Nichols Institute San Juan Capistrano
Classification: Benign. Last evaluated: 2025-10-07. Review status: criteria provided, single submitter. Criteria: Quest Diagnostics criteria. Collection method: clinical testing. Allele origin: unknown.

Mayo Clinic Laboratories, Mayo Clinic
Classification: Likely benign. Last evaluated: 2025-07-02. Review status: criteria provided, single submitter. Criteria: ACMG Guidelines, 2015. Collection method: clinical testing. Allele origin: germline. Observed: 2 variant alleles.
Comment: BS1, BP4, BP7

ARUP Laboratories, Molecular Genetics and Genomics, ARUP Laboratories
Classification: Benign. Last evaluated: 2025-06-02. Review status: criteria provided, single submitter. Criteria: ARUP Molecular Germline Variant Investigation Process 2024. Collection method: clinical testing. Allele origin: germline.

Department of Pathology and Laboratory Medicine, Sinai Health System
Classification: Benign for hereditary nonpolyposis colon cancer. Last evaluated: 2022-08-25. Review status: criteria provided, single submitter. Criteria: ACMG Guidelines, 2015. Collection method: clinical testing. Allele origin: germline. Affected: yes.

Genome-Nilou Lab
Classification: Benign for Intellectual disability, autosomal dominant 16. Last evaluated: 2021-07-15. Review status: criteria provided, single submitter. Criteria: ACMG Guidelines, 2015. Collection method: clinical testing. Allele origin: germline. Affected: no.

Illumina Laboratory Services, Illumina
Classification: Benign for Coffin-Siris syndrome. Last evaluated: 2018-01-12. Review status: criteria provided, single submitter. Criteria: ICSL Variant Classification Criteria 13 December 2019. Collection method: clinical testing. Allele origin: germline.
Comment: This variant was observed in the ICSL laboratory as part of a predisposition screen in an ostensibly healthy population. It had not been previously curated by ICSL or reported in the Human Gene Mutation Database (HGMD: prior to June 1st, 2018), and was therefore a candidate for classification through an automated scoring system. Utilizing variant allele frequency, disease prevalence and penetrance estimates, and inheritance mode, an automated score was calculated to assess if this variant is too frequent to cause the disease. Based on the score and internal cut-off values, a variant classified as benign is not then subjected to further curation. The score for this variant resulted in a classification of benign for this disease.

GeneDx
Classification: Likely benign. Last evaluated: 2017-12-20. Review status: criteria provided, single submitter. Criteria: GeneDx Variant Classification (06012015). Collection method: clinical testing. Allele origin: germline. Affected: yes.
Comment: This variant is considered likely benign or benign based on one or more of the following criteria: it is a conservative change, it occurs at a poorly conserved position in the protein, it is predicted to be benign by multiple in silico algorithms, and/or has population frequency not consistent with disease.

Ambry Genetics
Classification: Likely benign for Hereditary cancer-predisposing syndrome. Last evaluated: 2015-09-06. Review status: criteria provided, single submitter. Criteria: Ambry Variant Classification Scheme 2023. Collection method: clinical testing. Allele origin: germline.

Breakthrough Genomics
Classification: Likely benign. Review status: criteria provided, single submitter. Criteria: ACMG Guidelines, 2015. Collection method: not provided. Allele origin: germline. Inheritance: Autosomal dominant inheritance. Affected: yes.

Clinical Genetics DNA and cytogenetics Diagnostics Lab, Erasmus MC, Erasmus Medical Center
Classification: Benign. Review status: no assertion criteria provided. Collection method: clinical testing. Allele origin: germline. Affected: yes. Study: VKGL Data-share Consensus. Not counted in ClinVar's aggregate classification.

Genome Diagnostics Laboratory, Amsterdam University Medical Center
Classification: Benign. Review status: no assertion criteria provided. Collection method: clinical testing. Allele origin: germline. Affected: yes. Study: VKGL Data-share Consensus. Not counted in ClinVar's aggregate classification.

Laboratory of Diagnostic Genome Analysis, Leiden University Medical Center (LUMC)
Classification: Likely benign. Review status: no assertion criteria provided. Collection method: clinical testing. Allele origin: germline. Affected: yes. Study: VKGL Data-share Consensus. Not counted in ClinVar's aggregate classification.